The following is an entry in ClinVar:

NM_015346.4(ZFYVE26):c.375_376del (p.Glu125fs)

Gene: ZFYVE26 (zinc finger FYVE-type containing 26; minus strand). Cytogenetic location: 14q24.1.
Variant type: Microsatellite.
Coding change: c.375_376del on transcript NM_015346.4 (MANE Select); coding-DNA positions 375 to 376, 2 bases deleted (GA; older notation c.375_376delGA).
Protein change: p.Glu125fs; shifts the reading frame from glutamic acid 125.
Molecular consequence: frameshift variant.
Genome position (GRCh38, 1-based): chr14:67,807,908-67,807,909, TC deleted on the plus strand (GA on the coding strand, the reverse complement: ZFYVE26 is on the minus strand); deleting any 2 consecutive bases within chr14:67,807,908-67,807,911 gives the same sequence; the c. name uses the placement nearest the transcript's 3' end. VCF-style (leftmost placement, unchanged base first): chr14-67807907-GTC-G. GRCh37 (hg19) VCF-style: chr14-68274624-GTC-G.
Other names: short protein forms E125fs.
Identifiers: ClinVar variation 1726210 (VCV001726210.2), dbSNP rs2502881665, ClinGen allele CA2580613715.

ClinVar aggregate classification (germline): Likely pathogenic (1 of 4 stars; one submission).

Conditions:
Hereditary spastic paraplegia 15 (SPG15). Also called: SPASTIC PARAPLEGIA 15, AUTOSOMAL RECESSIVE; KJELLIN SYNDROME; SPASTIC PARAPLEGIA AND RETINAL DEGENERATION. Identifiers: Orphanet 100996, MedGen C1849128, MONDO:0010044, OMIM 270700.

Submission:

Myriad Genetics, Inc.
Classification: Likely pathogenic for Hereditary spastic paraplegia 15. Last evaluated: 2021-12-09. Review status: criteria provided, single submitter. Criteria: Myriad Women's Health Autosomal Recessive and X-Linked Classification Criteria (2021). Collection method: clinical testing. Allele origin: unknown.
Comment: NM_015346.3(ZFYVE26):c.375_376delGA(E125Dfs*12) is expected to be pathogenic in the context of spastic paraplegia type 15. This variant is predicted to lead to an abnormal or absent protein product due to the creation of a premature termination codon in ZFYVE26, a gene where loss-of-function variants are known to be pathogenic. Please note: this variant was assessed in the context of healthy population screening.